The following is an entry in ClinVar:

NM_000051.4(ATM):c.4028_4034del (p.Ile1343fs)

Gene: ATM (ATM serine/threonine kinase; plus strand). Cytogenetic location: 11q22.3.
Variant type: Deletion.
Coding change: c.4028_4034del on transcript NM_000051.4 (MANE Select); coding-DNA positions 4028 to 4034, 7 bases deleted (TTGTGGT; older notation c.4028_4034delTTGTGGT).
Protein change: p.Ile1343fs; shifts the reading frame from isoleucine 1343.
Molecular consequence: frameshift variant.
Genome position (GRCh38, 1-based): chr11:108,287,634-108,287,640, TTGTGGT deleted. VCF-style (leftmost placement, unchanged base first): chr11-108287633-ATTGTGGT-A. GRCh37 (hg19) VCF-style: chr11-108158360-ATTGTGGT-A.
Other names: c.4028_4034del, p.Ile1343fs (NM_001351834.2); short protein forms I1343fs.
Identifiers: ClinVar variation 1071446 (VCV001071446.7), dbSNP rs2135735834, ClinGen allele CA2499220628.

ClinVar aggregate classification (germline): Pathogenic (1 of 4 stars; one submission).

Conditions:
Ataxia-telangiectasia syndrome (AT). Also called: LOUIS-BAR SYNDROME; Ataxia-telangiectasia, complementation group D; AT, COMPLEMENTATION GROUP C; Cerebello-oculocutaneous telangiectasia; Immunodeficiency with ataxia telangiectasia; ATAXIA-TELANGIECTASIA, COMPLEMENTATION GROUP A. Identifiers: Orphanet 100, MedGen C0004135, MONDO:0008840, OMIM 208900.

Submission:

Labcorp Genetics (formerly Invitae), Labcorp
Classification: Pathogenic for Ataxia-telangiectasia syndrome. Last evaluated: 2020-01-11. Review status: criteria provided, single submitter. Criteria: Invitae Variant Classification Sherloc (09022015). Collection method: clinical testing. Allele origin: germline.
Comment: For these reasons, this variant has been classified as Pathogenic. Loss-of-function variants in ATM are known to be pathogenic (PMID: 23807571, 25614872). This variant has not been reported in the literature in individuals with ATM-related conditions. This variant is not present in population databases (ExAC no frequency). This sequence change creates a premature translational stop signal (p.Ile1343Argfs*4) in the ATM gene. It is expected to result in an absent or disrupted protein product.

Literature cited by the submitters: PubMed 23807571; PubMed 25614872.